The following is an entry in ClinVar:

ClinVar aggregate classification (germline): Conflicting classifications of pathogenicity. Review status: criteria provided, conflicting classifications (1 of 4 stars). 2 submissions from 2 submitters: Likely pathogenic (1); Uncertain significance (1). Last evaluated 2026-07-27.

Conditions:
Hereditary cancer-predisposing syndrome. Also called: Tumor predisposition; Hereditary neoplastic syndrome; Hereditary Cancer Syndrome; Neoplastic Syndromes, Hereditary. Identifiers: Orphanet 140162, MedGen C0027672, MeSH D009386, MONDO:0015356.

gnomAD v4.1: 2 of 1,614,140 alleles (0.00012%); highest among the groups gnomAD compares: Non-Finnish European, 0.00017%; no homozygotes.

Submissions (2):

Ambry Genetics
Classification: Uncertain significance for Hereditary cancer-predisposing syndrome. Last evaluated: 2026-07-27. Review status: criteria provided, single submitter. Criteria: Ambry Variant Classification Scheme 2023. Collection method: clinical testing. Allele origin: germline.
Comment: The p.F305L variant (also known as c.913T>C), located in coding exon 7 of the FH gene, results from a T to C substitution at nucleotide position 913. The phenylalanine at codon 305 is replaced by leucine, an amino acid with highly similar properties. This amino acid position is highly conserved in available vertebrate species. In addition, this alteration is predicted to be deleterious by in silico analysis. Based on the available evidence, the clinical significance of this variant remains unclear.

Labcorp Genetics (formerly Invitae), Labcorp
Classification: Likely pathogenic. Last evaluated: 2024-03-21. Review status: criteria provided, single submitter. Criteria: Invitae Variant Classification Sherloc (09022015). Collection method: clinical testing. Allele origin: germline.
Comment: This sequence change replaces phenylalanine, which is neutral and non-polar, with leucine, which is neutral and non-polar, at codon 305 of the FH protein (p.Phe305Leu). This variant is not present in population databases (gnomAD no frequency). This variant has not been reported in the literature in individuals affected with FH-related conditions. Advanced modeling of protein sequence and biophysical properties (such as structural, functional, and spatial information, amino acid conservation, physicochemical variation, residue mobility, and thermodynamic stability) performed at Invitae indicates that this missense variant is expected to disrupt FH protein function with a positive predictive value of 95%. This variant disrupts the p.Phe305 amino acid residue in FH. Other variant(s) that disrupt this residue have been determined to be pathogenic (PMID: 32463173; Invitae). This suggests that this residue is clinically significant, and that variants that disrupt this residue are likely to be disease-causing. In summary, the currently available evidence indicates that the variant is pathogenic, but additional data are needed to prove that conclusively. Therefore, this variant has been classified as Likely Pathogenic.

Literature cited by the submitters: PubMed 32463173 (cited by Labcorp Genetics (formerly Invitae), Labcorp).

NM_000143.4(FH):c.913T>C (p.Phe305Leu)

Gene: FH (fumarate hydratase; minus strand). Cytogenetic location: 1q43.
Variant type: single nucleotide variant.
Coding change: c.913T>C on transcript NM_000143.4 (MANE Select); coding-DNA position 913, T replaced by C.
Protein change: p.Phe305Leu; replaces phenylalanine 305 with leucine.
Molecular consequence: missense variant.
Genome position (GRCh38, 1-based): chr1:241,504,237, A>G on the plus strand (T>C on the coding strand, the complement: FH is on the minus strand). VCF-style: chr1-241504237-A-G. GRCh37 (hg19) VCF-style: chr1-241667537-A-G.
Other names: short protein forms F305L.
Identifiers: ClinVar variation 3669083 (VCV003669083.3).
Genomic context (GRCh38, chr1:241,504,237, plus strand): 5'-TGAGCTCAACCAGAGCGTCATGAGCAGCCAGAGCTTCAAATTTATTCGGAGCAGTGACAA[A>G]AGGCAAGCCTAAAGAAAAGAAAAATATCCTAGATGGGTGAACAAGTTAAACTAAACATTT-3'
Protein context (NP_000134.2, residues 295-315): AKVAALTGLP[Phe305Leu]VTAPNKFEAL